The following is an entry in ClinVar:

ClinVar aggregate classification (germline): Uncertain significance. Review status: criteria provided, multiple submitters, no conflicts (2 of 4 stars). 6 submissions from 6 submitters: Uncertain significance (6). Last evaluated 2026-06-25.

Conditions:
TJP2-related disorder. Also called: TJP2-related condition.
Hypercholanemia, familial 1 (FHCA1). Identifiers: Orphanet 238475, MedGen C5542604, MONDO:0031446, OMIM 607748.
Cholestasis, progressive familial intrahepatic, 4. Identifiers: Orphanet 480483, Orphanet 79304, MedGen C2931067, MONDO:0014381, OMIM 615878.
Inborn genetic diseases. Identifiers: MedGen C0950123, MeSH D030342.

Allele frequency attached by ClinVar (database versions not stated): ExAC 0.00005; gnomAD exomes 0.00006 and 0.00014; ESP Exome Variant Server 0.00015; gnomAD 0.00015; TOPMed 0.00019.
gnomAD v4.1: 226 of 1,614,054 alleles (0.014%); highest among the groups gnomAD compares: Non-Finnish European, 0.017%; 1 homozygote.

Submissions (6):

PreventionGenetics, part of Exact Sciences
Classification: Uncertain significance for TJP2-related condition. Last evaluated: 2026-06-25. Review status: criteria provided, single submitter. Criteria: ACMG Guidelines, 2015. Collection method: clinical testing. Allele origin: germline.
Comment: The TJP2 c.3392C>T variant is predicted to result in the amino acid substitution p.Thr1131Met. To our knowledge, this variant has not been reported in the literature. This variant is reported in 0.012% of alleles in individuals of European (Non-Finnish) descent in gnomAD. At this time, the clinical significance of this variant is uncertain due to the absence of conclusive functional and genetic evidence.

GeneDx
Classification: Uncertain significance. Last evaluated: 2026-01-20. Review status: criteria provided, single submitter. Criteria: GeneDx Variant Classification Process June 2021. Collection method: clinical testing. Allele origin: germline. Affected: yes.
Comment: In silico analysis suggests that this missense variant does not alter protein structure/function; Has not been previously published as pathogenic or benign to our knowledge

Ambry Genetics
Classification: Uncertain significance for Inborn genetic diseases. Last evaluated: 2025-11-26. Review status: criteria provided, single submitter. Criteria: Ambry Variant Classification Scheme 2023. Collection method: clinical testing. Allele origin: germline.

Labcorp Genetics (formerly Invitae), Labcorp
Classification: Uncertain significance. Last evaluated: 2022-05-26. Review status: criteria provided, single submitter. Criteria: Invitae Variant Classification Sherloc (09022015). Collection method: clinical testing. Allele origin: germline.
Comment: This sequence change replaces threonine, which is neutral and polar, with methionine, which is neutral and non-polar, at codon 1131 of the TJP2 protein (p.Thr1131Met). This variant is present in population databases (rs139636763, gnomAD 0.01%). This variant has not been reported in the literature in individuals affected with TJP2-related conditions. ClinVar contains an entry for this variant (Variation ID: 502567). Algorithms developed to predict the effect of missense changes on protein structure and function (SIFT, PolyPhen-2, Align-GVGD) all suggest that this variant is likely to be tolerated. In summary, the available evidence is currently insufficient to determine the role of this variant in disease. Therefore, it has been classified as a Variant of Uncertain Significance.

Fulgent Genetics
Classification: Uncertain significance for Hypercholanemia, familial 1; Cholestasis, progressive familial intrahepatic, 4. Last evaluated: 2021-08-31. Review status: criteria provided, single submitter. Criteria: ACMG Guidelines, 2015. Collection method: clinical testing. Allele origin: unknown.

Eurofins Ntd Llc (ga)
Classification: Uncertain significance. Last evaluated: 2017-06-14. Review status: criteria provided, single submitter. Criteria: EGL Classification Definitions 2015. Collection method: clinical testing. Allele origin: germline. Observed: 1 variant allele, 1 heterozygote.

NM_004817.4(TJP2):c.3392C>T (p.Thr1131Met)

Gene: TJP2 (tight junction protein 2; plus strand). Cytogenetic location: 9q21.11.
Variant type: single nucleotide variant.
Coding change: c.3392C>T on transcript NM_004817.4 (MANE Select); coding-DNA position 3392, C replaced by T.
Protein change: p.Thr1131Met; replaces threonine 1131 with methionine.
Molecular consequence: missense variant.
Genome position (GRCh38, 1-based): chr9:69,252,885, C>T. VCF-style: chr9-69252885-C-T. GRCh37 (hg19) VCF-style: chr9-71867801-C-T.
Other names: c.3392C>T, p.Thr1131Met (LRG_1201t1); c.2882C>T, p.Thr961Met (NM_001170414.2); c.3293C>T, p.Thr1098Met (NM_001170415.1); c.3485C>T, p.Thr1162Met (NM_001170416.2); c.3317C>T, p.Thr1106Met (NM_001369870.1); c.3323C>T, p.Thr1108Met (NM_001369871.1); c.3281C>T, p.Thr1094Met (NM_001369872.1); c.3068C>T, p.Thr1023Met (NM_001369873.1); and 3 more; short protein forms T1131M, T1162M, T1023M, T1094M, T1135M, T961M, T984M, T988M.
Identifiers: ClinVar variation 502567 (VCV000502567.20), dbSNP rs139636763, ClinGen allele CA5073951.